The following is an entry in ClinVar:

NM_003664.5(AP3B1):c.2336C>T (p.Ser779Phe)

Gene: AP3B1 (adaptor related protein complex 3 subunit beta 1; minus strand). Cytogenetic location: 5q14.1.
Variant type: single nucleotide variant.
Coding change: c.2336C>T on transcript NM_003664.5 (MANE Select); coding-DNA position 2336, C replaced by T.
Protein change: p.Ser779Phe; replaces serine 779 with phenylalanine.
Molecular consequence: missense variant.
Genome position (GRCh38, 1-based): chr5:78,110,268, G>A on the plus strand (C>T on the coding strand, the complement: AP3B1 is on the minus strand). VCF-style: chr5-78110268-G-A. GRCh37 (hg19) VCF-style: chr5-77406092-G-A.
Other names: c.2189C>T, p.Ser730Phe (NM_001271769.2); c.2336C>T, p.Ser779Phe (NM_001410752.1); short protein forms S730F, S779F.
Identifiers: ClinVar variation 3704186 (VCV003704186.1).

ClinVar aggregate classification (germline): Uncertain significance (1 of 4 stars; one submission).

Conditions:
Hermansky-Pudlak syndrome 2 (HPS2). Also called: Platelet defects and oculocutaneous albinism. Identifiers: Orphanet 183678, Orphanet 79430, MedGen C1842362, MONDO:0011997, OMIM 608233.

gnomAD v4.1: 3 of 1,609,254 alleles (0.00019%); highest among the groups gnomAD compares: Admixed American, 0.0017%; no homozygotes.

Submission:

Labcorp Genetics (formerly Invitae), Labcorp
Classification: Uncertain significance for Hermansky-Pudlak syndrome 2. Last evaluated: 2024-10-28. Review status: criteria provided, single submitter. Criteria: Invitae Variant Classification Sherloc (09022015). Collection method: clinical testing. Allele origin: germline.
Comment: This sequence change replaces serine, which is neutral and polar, with phenylalanine, which is neutral and non-polar, at codon 779 of the AP3B1 protein (p.Ser779Phe). This variant is not present in population databases (gnomAD no frequency). This variant has not been reported in the literature in individuals affected with AP3B1-related conditions. An algorithm developed to predict the effect of missense changes on protein structure and function (PolyPhen-2) suggests that this variant is likely to be disruptive. In summary, the available evidence is currently insufficient to determine the role of this variant in disease. Therefore, it has been classified as a Variant of Uncertain Significance.